The following is an entry in ClinVar:

ClinVar aggregate classification (germline): Uncertain significance (1 of 4 stars; one submission).

Submission:

Labcorp Genetics (formerly Invitae), Labcorp
Classification: Uncertain significance. Last evaluated: 2022-05-07. Review status: criteria provided, single submitter. Criteria: Invitae Variant Classification Sherloc (09022015). Collection method: clinical testing. Allele origin: germline.
Comment: In summary, the available evidence is currently insufficient to determine the role of this variant in disease. Therefore, it has been classified as a Variant of Uncertain Significance. Algorithms developed to predict the effect of missense changes on protein structure and function are either unavailable or do not agree on the potential impact of this missense change (SIFT: "Tolerated"; PolyPhen-2: "Probably Damaging"; Align-GVGD: "Class C0"). This variant has not been reported in the literature in individuals affected with PIGV-related conditions. This variant is not present in population databases (gnomAD no frequency). This sequence change replaces arginine, which is basic and polar, with serine, which is neutral and polar, at codon 112 of the PIGV protein (p.Arg112Ser).

NM_017837.4(PIGV):c.334C>A (p.Arg112Ser)

Gene: PIGV (phosphatidylinositol glycan anchor biosynthesis class V; plus strand). Cytogenetic location: 1p36.11.
Variant type: single nucleotide variant.
Coding change: c.334C>A on transcript NM_017837.4 (MANE Select); coding-DNA position 334, C replaced by A.
Protein change: p.Arg112Ser; replaces arginine 112 with serine.
Molecular consequence: missense variant. On other transcripts: 5 prime UTR variant (1), non-coding transcript variant (1), intron variant (3).
Genome position (GRCh38, 1-based): chr1:26,794,368, C>A. VCF-style: chr1-26794368-C-A. GRCh37 (hg19) VCF-style: chr1-27120859-C-A.
Other names: c.334C>A, p.Arg112Ser (NM_001202554.2, NM_001374478.1, NM_001374480.1 and 2 more transcripts); c.-48C>A (NM_001374483.1); c.172+162C>A (NM_001374484.1, NM_001374485.1); c.79-3195C>A (NM_001374486.1); short protein forms R112S.
Identifiers: ClinVar variation 2135233 (VCV002135233.4), dbSNP rs1172094159, ClinGen allele CA339199483.